The following is an entry in ClinVar:

NM_001127222.2(CACNA1A):c.1083-2A>G

Gene: CACNA1A (calcium voltage-gated channel subunit alpha1 A; minus strand). Cytogenetic location: 19p13.13.
Variant type: single nucleotide variant.
Coding change: c.1083-2A>G on transcript NM_001127222.2 (MANE Select); the canonical splice acceptor site of the intron before coding-DNA position 1083, A replaced by G.
Molecular consequence: splice acceptor variant.
Genome position (GRCh38, 1-based): chr19:13,334,495, T>C on the plus strand (A>G on the coding strand, the complement: CACNA1A is on the minus strand). VCF-style: chr19-13334495-T-C. GRCh37 (hg19) VCF-style: chr19-13445309-T-C.
Other names: c.1083-2A>G (NM_001127221.2, NM_001174080.2, NM_000068.4 and 1 more transcripts).
Identifiers: ClinVar variation 2649393 (VCV002649393.24), dbSNP rs2513049322, ClinGen allele CA404346651.
Genomic context (GRCh38, chr19:13,334,495, plus strand): 5'-GCCTCAGCTTCAGAAAAGCCCGCCGGTTCTCCACCCGTTCCCTTTCTTTGGCAAACTCCC[T>C]GGAGAAGCATAGAAAAGCCAGAGTATGGCTGTTTTGAAAATGTTAGGAAACGTTTGTGTG-3'

ClinVar aggregate classification (germline): Pathogenic (1 of 4 stars; one submission).

Submission:

CeGaT Center for Human Genetics Tuebingen
Classification: Pathogenic. Last evaluated: 2023-10-01. Review status: criteria provided, single submitter. Criteria: CeGaT Center For Human Genetics Tuebingen Variant Classification Criteria Version 2. Collection method: clinical testing. Allele origin: germline. Affected: yes. Observed: 1 variant allele.
Comment: CACNA1A: PVS1, PM2